The following is an entry in ClinVar:

ClinVar aggregate classification (germline): Likely benign (0 of 4 stars; one submission).

Conditions:
ALG9-related disorder. Also called: ALG9-related condition.

gnomAD v4.1: 4 of 1,533,290 alleles (0.00026%); highest among the groups gnomAD compares: East Asian, 0.0098%; no homozygotes.

Submission:

PreventionGenetics, part of Exact Sciences
Classification: Likely benign for ALG9-related condition. Last evaluated: 2024-03-29. Review status: no assertion criteria provided. Collection method: clinical testing. Allele origin: germline.
Comment: This variant is classified as likely benign based on ACMG/AMP sequence variant interpretation guidelines (Richards et al. 2015 PMID: 25741868, with internal and published modifications).

NM_024740.2(ALG9):c.102A>G (p.Arg34=)

Genes: ALG9 (ALG9 alpha-1,2-mannosyltransferase; minus strand), LOC130006752 (ATAC-STARR-seq lymphoblastoid silent region 3902; plus strand). Cytogenetic location: 11q23.1.
Variant type: single nucleotide variant.
Coding change: c.102A>G on transcript NM_024740.2 (MANE Select); coding-DNA position 102, A replaced by G.
Protein change: p.Arg34=; no amino-acid change (arginine 34 retained).
Molecular consequence: synonymous variant. On other transcripts: 5 prime UTR variant (3).
Genome position (GRCh38, 1-based): chr11:111,871,381, T>C on the plus strand (A>G on the coding strand, the complement: ALG9 is on the minus strand). VCF-style: chr11-111871381-T-C. GRCh37 (hg19) VCF-style: chr11-111742104-T-C.
Other names: c.102A>G, p.Arg34= (NM_001077690.1, NM_001352417.1, NM_001352418.1); c.-273A>G (NM_001352409.1); c.-416A>G (NM_001352410.1, NM_001352413.1).
Identifiers: ClinVar variation 3349726 (VCV003349726.1).